The following is an entry in ClinVar:

NM_001082486.2(ACD):c.198T>G (p.Ser66Arg)

Gene: ACD (ACD shelterin complex subunit and telomerase recruitment factor; minus strand). Cytogenetic location: 16q22.1.
Variant type: single nucleotide variant.
Coding change: c.198T>G on transcript NM_001082486.2 (MANE Select); coding-DNA position 198, T replaced by G.
Protein change: p.Ser66Arg; replaces serine 66 with arginine.
Molecular consequence: missense variant.
Genome position (GRCh38, 1-based): chr16:67,659,947, A>C on the plus strand (T>G on the coding strand, the complement: ACD is on the minus strand). VCF-style: chr16-67659947-A-C. GRCh37 (hg19) VCF-style: chr16-67693850-A-C.
Other names: c.198T>G, p.Ser66Arg (NM_001410884.1); c.189T>G, p.Ser63Arg (NM_022914.3); short protein forms S63R, S66R.
Identifiers: ClinVar variation 1741565 (VCV001741565.2), dbSNP rs968504696, ClinGen allele CA396356651.

ClinVar aggregate classification (germline): Uncertain significance (1 of 4 stars; one submission).

Conditions:
Inborn genetic diseases. Identifiers: MedGen C0950123, MeSH D030342.

Submission:

Ambry Genetics
Classification: Uncertain significance for Inborn genetic diseases. Last evaluated: 2022-04-12. Review status: criteria provided, single submitter. Criteria: Ambry Variant Classification Scheme 2023. Collection method: clinical testing. Allele origin: germline.
Comment: The p.S152R variant (also known as c.456T>G), located in coding exon 2 of the ACD gene, results from a T to G substitution at nucleotide position 456. The serine at codon 152 is replaced by arginine, an amino acid with dissimilar properties. This amino acid position is conserved. In addition, the in silico prediction for this alteration is inconclusive. Since supporting evidence is limited at this time, the clinical significance of this alteration remains unclear.